The following is an entry in ClinVar:

ClinVar aggregate classification (germline): Conflicting classifications of pathogenicity. Review status: criteria provided, conflicting classifications (1 of 4 stars). 6 submissions from 6 submitters: Uncertain significance (4); Likely benign (1). 1 of the submissions does not count toward it. Last evaluated 2025-12-24.

Conditions:
Juvenile polyposis syndrome (JPS). Identifiers: Orphanet 2929, MedGen C0345893, MONDO:0017380, OMIM 174900.
BMPR1A-related disorder. Also called: BMPR1A-related condition.
Hereditary cancer-predisposing syndrome. Also called: Tumor predisposition; Hereditary Cancer Syndrome; Neoplastic Syndromes, Hereditary; Hereditary neoplastic syndrome. Identifiers: Orphanet 140162, MedGen C0027672, MeSH D009386, MONDO:0015356.

Allele frequency attached by ClinVar (database versions not stated): gnomAD 0.00001; TOPMed 0.00002; gnomAD exomes 0.00008.
gnomAD v4.1: 110 of 1,611,386 alleles (0.0068%); highest among the groups gnomAD compares: Non-Finnish European, 0.0093%; no homozygotes.

Submissions (6):

Labcorp Genetics (formerly Invitae), Labcorp
Classification: Uncertain significance for Juvenile polyposis syndrome. Last evaluated: 2025-12-24. Review status: criteria provided, single submitter. Criteria: Invitae Variant Classification Sherloc (09022015). Collection method: clinical testing. Allele origin: germline.
Comment: This sequence change replaces isoleucine, which is neutral and non-polar, with valine, which is neutral and non-polar, at codon 8 of the BMPR1A protein (p.Ile8Val). This variant is not present in population databases (gnomAD no frequency). This variant has not been reported in the literature in individuals affected with BMPR1A-related conditions. ClinVar contains an entry for this variant (Variation ID: 216580). Invitae Evidence Modeling incorporating data from in vitro experimental studies (internal data) indicates that this missense variant is not expected to disrupt BMPR1A function with a negative predictive value of 95%. In summary, the available evidence is currently insufficient to determine the role of this variant in disease. Therefore, it has been classified as a Variant of Uncertain Significance.

Color Diagnostics, LLC DBA Color Health
Classification: Uncertain significance for Hereditary cancer-predisposing syndrome. Last evaluated: 2025-06-11. Review status: criteria provided, single submitter. Criteria: ACMG Guidelines, 2015. Collection method: clinical testing. Allele origin: germline.
Comment: This missense variant replaces isoleucine with valine at codon 8 of the BMPR1A protein. Computational prediction suggests that this variant may not impact protein structure and function. To our knowledge, functional studies have not been reported for this variant. This variant has not been reported in individuals affected with BMPR1A-related disorders in the literature. This variant has not been identified in the general population by the Genome Aggregation Database (gnomAD). The available evidence is insufficient to determine the role of this variant in disease conclusively. Therefore, this variant is classified as a Variant of Uncertain Significance.

All of Us Research Program, National Institutes of Health
Classification: Uncertain significance for Juvenile polyposis syndrome. Last evaluated: 2023-10-02. Review status: criteria provided, single submitter. Criteria: ACMG Guidelines, 2015. Collection method: clinical testing. Allele origin: germline. Inheritance: Autosomal dominant inheritance. Observed: 3 variant alleles, 3 heterozygotes.
Comment: This missense variant replaces isoleucine with valine at codon 8 of the BMPR1A protein. Computational prediction suggests that this variant may not impact protein structure and function (internally defined REVEL score threshold <= 0.5, PMID: 27666373). To our knowledge, functional studies have not been reported for this variant. This variant has not been reported in individuals affected with BMPR1A-related disorders in the literature. This variant has not been identified in the general population by the Genome Aggregation Database (gnomAD). The available evidence is insufficient to determine the role of this variant in disease conclusively. Therefore, this variant is classified as a Variant of Uncertain Significance.

This study involves interpretation of variants in research participants for the purpose of population health screening. Participant phenotype was not available at the time of variant classification. Additional details can be found in publication PMID: 35346344, PMCID: PMC8962531

GeneDx
Classification: Uncertain significance. Last evaluated: 2023-07-02. Review status: criteria provided, single submitter. Criteria: GeneDx Variant Classification Process June 2021. Collection method: clinical testing. Allele origin: germline. Affected: yes.
Comment: Not observed at significant frequency in large population cohorts (gnomAD); In silico analysis supports that this missense variant does not alter protein structure/function; Has not been previously published as pathogenic or benign to our knowledge

Ambry Genetics
Classification: Likely benign for Hereditary cancer-predisposing syndrome. Last evaluated: 2019-08-05. Review status: criteria provided, single submitter. Criteria: Ambry Variant Classification Scheme 2023. Collection method: clinical testing. Allele origin: germline.

PreventionGenetics, part of Exact Sciences
Classification: Uncertain significance for BMPR1A-related condition. Last evaluated: 2024-03-14. Review status: no assertion criteria provided. Collection method: clinical testing. Allele origin: germline. Not counted in ClinVar's aggregate classification.
Comment: The BMPR1A c.22A>G variant is predicted to result in the amino acid substitution p.Ile8Val. To our knowledge, this variant has not been reported in the literature or in a large population database, indicating this variant is rare. At this time, the clinical significance of this variant is uncertain due to the absence of conclusive functional and genetic evidence.

NM_004329.3(BMPR1A):c.22A>G (p.Ile8Val)

Gene: BMPR1A (bone morphogenetic protein receptor type 1A; plus strand). Cytogenetic location: 10q23.2.
Variant type: single nucleotide variant.
Coding change: c.22A>G on transcript NM_004329.3 (MANE Select); coding-DNA position 22, A replaced by G.
Protein change: p.Ile8Val; replaces isoleucine 8 with valine.
Molecular consequence: missense variant.
Genome position (GRCh38, 1-based): chr10:86,876,040, A>G. VCF-style: chr10-86876040-A-G. GRCh37 (hg19) VCF-style: chr10-88635797-A-G.
Other names: short protein forms I8V.
Identifiers: ClinVar variation 216580 (VCV000216580.26), dbSNP rs863224719, ClinGen allele CA335860.